The following is an entry in ClinVar:

ClinVar aggregate classification (germline): Uncertain significance (1 of 4 stars; one submission).

Conditions:
Left ventricular noncompaction 8 (LVNC8). Identifiers: Orphanet 154, Orphanet 54260, MedGen C3809288, MONDO:0014152, OMIM 615373.

Allele frequency attached by ClinVar (database versions not stated): gnomAD 0.00001; gnomAD exomes 0.00001; TOPMed 0.00001; ExAC 0.00002.
gnomAD v4.1: 5 of 1,607,480 alleles (0.00031%); highest among the groups gnomAD compares: East Asian, 0.009%; no homozygotes.

Submission:

Labcorp Genetics (formerly Invitae), Labcorp
Classification: Uncertain significance for Left ventricular noncompaction 8. Last evaluated: 2023-04-07. Review status: criteria provided, single submitter. Criteria: Invitae Variant Classification Sherloc (09022015). Collection method: clinical testing. Allele origin: germline.
Comment: This sequence change replaces glycine, which is neutral and non-polar, with aspartic acid, which is acidic and polar, at codon 362 of the PRDM16 protein (p.Gly362Asp). This variant is present in population databases (rs766969882, gnomAD 0.04%). This variant has not been reported in the literature in individuals affected with PRDM16-related conditions. An algorithm developed to predict the effect of missense changes on protein structure and function (PolyPhen-2) suggests that this variant is likely to be disruptive. In summary, the available evidence is currently insufficient to determine the role of this variant in disease. Therefore, it has been classified as a Variant of Uncertain Significance.

NM_022114.4(PRDM16):c.1085G>A (p.Gly362Asp)

Gene: PRDM16 (PR/SET domain 16; plus strand). Cytogenetic location: 1p36.32.
Variant type: single nucleotide variant.
Coding change: c.1085G>A on transcript NM_022114.4 (MANE Select); coding-DNA position 1085, G replaced by A.
Protein change: p.Gly362Asp; replaces glycine 362 with aspartic acid.
Molecular consequence: missense variant.
Genome position (GRCh38, 1-based): chr1:3,405,547, G>A. VCF-style: chr1-3405547-G-A. GRCh37 (hg19) VCF-style: chr1-3322111-G-A.
Other names: c.1085G>A, p.Gly362Asp (NM_199454.3); short protein forms G362D.
Identifiers: ClinVar variation 3017370 (VCV003017370.3), dbSNP rs766969882, ClinGen allele CA544094.